The following is an entry in ClinVar:

NM_001966.4(EHHADH):c.2047_2052delinsAT (p.Tyr683fs)

Gene: EHHADH (enoyl-CoA hydratase and 3-hydroxyacyl CoA dehydrogenase; minus strand). Cytogenetic location: 3q27.2.
Variant type: Indel.
Coding change: c.2047_2052delinsAT on transcript NM_001966.4 (MANE Select); coding-DNA positions 2047 to 2052, TACAGG replaced by AT.
Protein change: p.Tyr683fs; shifts the reading frame from tyrosine 683.
Molecular consequence: frameshift variant.
Genome position (GRCh38, 1-based): chr3:185,192,346-185,192,351, CCTGTA replaced by AT on the plus strand (TACAGG replaced by AT on the coding strand, the reverse complement: EHHADH is on the minus strand). VCF-style: chr3-185192346-CCTGTA-AT. GRCh37 (hg19) VCF-style: chr3-184910134-CCTGTA-AT.
Other names: c.1759_1764delinsAT, p.Tyr587fs (NM_001166415.2); short protein forms Y587fs, Y683fs.
Identifiers: ClinVar variation 3348692 (VCV003348692.1).

ClinVar aggregate classification (germline): Uncertain significance (0 of 4 stars; one submission).

Conditions:
EHHADH-related disorder. Also called: EHHADH-related condition.

Submission:

PreventionGenetics, part of Exact Sciences
Classification: Uncertain significance for EHHADH-related condition. Last evaluated: 2024-02-29. Review status: no assertion criteria provided. Collection method: clinical testing. Allele origin: germline.
Comment: The EHHADH c.2047_2052delinsAT variant is predicted to result in a frameshift and premature protein termination (p.Tyr683Ilefs*15). To our knowledge, this variant has not been reported in the literature or in a large population database, indicating this variant is rare. At this time, the clinical significance of this variant is uncertain due to the absence of conclusive functional and genetic evidence.